The following is an entry in ClinVar:

NM_003737.4(DCHS1):c.3503C>T (p.Thr1168Ile)

Gene: DCHS1 (dachsous cadherin-related 1; minus strand). Cytogenetic location: 11p15.4.
Variant type: single nucleotide variant.
Coding change: c.3503C>T on transcript NM_003737.4 (MANE Select); coding-DNA position 3503, C replaced by T.
Protein change: p.Thr1168Ile; replaces threonine 1168 with isoleucine.
Molecular consequence: missense variant.
Genome position (GRCh38, 1-based): chr11:6,631,788, G>A on the plus strand (C>T on the coding strand, the complement: DCHS1 is on the minus strand). VCF-style: chr11-6631788-G-A. GRCh37 (hg19) VCF-style: chr11-6653019-G-A.
Other names: short protein forms T1168I.
Identifiers: ClinVar variation 2742426 (VCV002742426.3), dbSNP rs529000213, ClinGen allele CA379412663.
Genomic context (GRCh38, chr11:6,631,788, plus strand): 5'-CTCCCTCCATCCTGCACCTGCACCAGGAGCTGATAGCTGCTCTGCTGCTCACGGTCCAGG[G>A]TTTGGAGTGTGGTCACTTCTCCTGGGAGTGCAAGAAGGCGATCATGTACGAGATGTTTAA-3'
Protein context (NP_003728.1, residues 1158-1178): PQTGEVTTLQ[Thr1168Ile]LDREQQSSYQ

ClinVar aggregate classification (germline): Uncertain significance (1 of 4 stars; one submission).

gnomAD v4.1: 3 of 1,545,488 alleles (0.00019%); highest among the groups gnomAD compares: Non-Finnish European, 0.00017%; no homozygotes.

Submission:

Labcorp Genetics (formerly Invitae), Labcorp
Classification: Uncertain significance. Last evaluated: 2023-07-12. Review status: criteria provided, single submitter. Criteria: Invitae Variant Classification Sherloc (09022015). Collection method: clinical testing. Allele origin: germline.
Comment: This variant is not present in population databases (gnomAD no frequency). This sequence change replaces threonine, which is neutral and polar, with isoleucine, which is neutral and non-polar, at codon 1168 of the DCHS1 protein (p.Thr1168Ile). This variant has not been reported in the literature in individuals affected with DCHS1-related conditions. In summary, the available evidence is currently insufficient to determine the role of this variant in disease. Therefore, it has been classified as a Variant of Uncertain Significance. Advanced modeling of protein sequence and biophysical properties (such as structural, functional, and spatial information, amino acid conservation, physicochemical variation, residue mobility, and thermodynamic stability) performed at Invitae indicates that this missense variant is not expected to disrupt DCHS1 protein function.